The following is an entry in ClinVar:

NM_021167.5(GATAD1):c.526G>A (p.Asp176Asn)

Gene: GATAD1 (GATA zinc finger domain containing 1; plus strand). Cytogenetic location: 7q21.2.
Variant type: single nucleotide variant.
Coding change: c.526G>A on transcript NM_021167.5 (MANE Select); coding-DNA position 526, G replaced by A.
Protein change: p.Asp176Asn; replaces aspartic acid 176 with asparagine.
Molecular consequence: missense variant. On other transcripts: non-coding transcript variant (1).
Genome position (GRCh38, 1-based): chr7:92,454,592, G>A. VCF-style: chr7-92454592-G-A. GRCh37 (hg19) VCF-style: chr7-92083906-G-A.
Other names: short protein forms D176N.
Identifiers: ClinVar variation 1746494 (VCV001746494.2), dbSNP rs1789586952, ClinGen allele CA368160514.

ClinVar aggregate classification (germline): Uncertain significance (1 of 4 stars; one submission).

Conditions:
Cardiovascular phenotype. Identifiers: MedGen CN230736.

Submission:

Ambry Genetics
Classification: Uncertain significance for Cardiovascular phenotype. Last evaluated: 2022-02-15. Review status: criteria provided, single submitter. Criteria: Ambry Variant Classification Scheme 2023. Collection method: clinical testing. Allele origin: germline.
Comment: The p.D176N variant (also known as c.526G>A), located in coding exon 4 of the GATAD1 gene, results from a G to A substitution at nucleotide position 526. The aspartic acid at codon 176 is replaced by asparagine, an amino acid with highly similar properties. This amino acid position is highly conserved in available vertebrate species. In addition, the in silico prediction for this alteration is inconclusive. The evidence for this gene-disease relationship is limited; therefore, the clinical significance of this alteration is unclear.